The following is an entry in ClinVar:

ClinVar aggregate classification (germline): Uncertain significance. Review status: criteria provided, multiple submitters, no conflicts (2 of 4 stars). 5 submissions from 5 submitters: Uncertain significance (5). Last evaluated 2024-12-28.

Conditions:
Breast-ovarian cancer, familial, susceptibility to, 5 (BROVCA5). Identifiers: MedGen C5830615, MONDO:0957530, OMIM 620442.
Hereditary cancer-predisposing syndrome. Also called: Hereditary neoplastic syndrome; Neoplastic Syndromes, Hereditary; Hereditary Cancer Syndrome; Tumor predisposition. Identifiers: Orphanet 140162, MedGen C0027672, MeSH D009386, MONDO:0015356.
Familial cancer of breast. Also called: BREAST CANCER, FAMILIAL; Hereditary breast cancer; hereditary breast carcinoma. Identifiers: Orphanet 227535, MedGen C0346153, MONDO:0016419, OMIM 114480. Disease mechanism: loss of function.

gnomAD v4.1: 9 of 1,614,116 alleles (0.00056%); highest among the groups gnomAD compares: African/African-American, 0.0027%; no homozygotes.

Submissions (5):

Labcorp Genetics (formerly Invitae), Labcorp
Classification: Uncertain significance for Familial cancer of breast. Last evaluated: 2024-12-28. Review status: criteria provided, single submitter. Criteria: Invitae Variant Classification Sherloc (09022015). Collection method: clinical testing. Allele origin: germline.
Comment: This sequence change replaces lysine, which is basic and polar, with asparagine, which is neutral and polar, at codon 908 of the PALB2 protein (p.Lys908Asn). This variant is not present in population databases (gnomAD no frequency). This missense change has been observed in individual(s) with breast cancer (PMID: 30638972). ClinVar contains an entry for this variant (Variation ID: 530036). Invitae Evidence Modeling of protein sequence and biophysical properties (such as structural, functional, and spatial information, amino acid conservation, physicochemical variation, residue mobility, and thermodynamic stability) indicates that this missense variant is not expected to disrupt PALB2 protein function with a negative predictive value of 80%. In summary, the available evidence is currently insufficient to determine the role of this variant in disease. Therefore, it has been classified as a Variant of Uncertain Significance.

Department of Pathology and Laboratory Medicine, Sinai Health System
Classification: Uncertain significance for Breast-ovarian cancer, familial, susceptibility to, 5. Last evaluated: 2023-11-03. Review status: criteria provided, single submitter. Criteria: ACMG Guidelines, 2015. Collection method: clinical testing. Allele origin: germline. Affected: yes.

Color Diagnostics, LLC DBA Color Health
Classification: Uncertain significance for Hereditary cancer-predisposing syndrome. Last evaluated: 2023-08-15. Review status: criteria provided, single submitter. Criteria: ACMG Guidelines, 2015. Collection method: clinical testing. Allele origin: germline.
Comment: This missense variant replaces lysine with asparagine at codon 908 of the PALB2 protein. Computational prediction suggests that this variant may not impact protein structure and function (internally defined REVEL score threshold <= 0.5, PMID: 27666373). To our knowledge, functional studies have not been reported for this variant. This variant has been reported in an individual affected with breast cancer (PMID: 28779002) and reported in a breast cancer case-control meta-analysis in 1/60466 cases and 0/53461 unaffected individuals (PMID: 33471991; Leiden Open Variation Database DB-ID PALB2_010847). This variant has not been identified in the general population by the Genome Aggregation Database (gnomAD). The available evidence is insufficient to determine the role of this variant in disease conclusively. Therefore, this variant is classified as a Variant of Uncertain Significance.

Ambry Genetics
Classification: Uncertain significance for Hereditary cancer-predisposing syndrome. Last evaluated: 2022-12-30. Review status: criteria provided, single submitter. Criteria: Ambry Variant Classification Scheme 2023. Collection method: clinical testing. Allele origin: germline.
Comment: The p.K908N variant (also known as c.2724A>T), located in coding exon 7 of the PALB2 gene, results from an A to T substitution at nucleotide position 2724. The lysine at codon 908 is replaced by asparagine, an amino acid with similar properties. This alteration has been reported in at least one subject in a study of 13087 breast cancer cases and 5488 control individuals in the UK (Decker B et al. J Med Genet, 2017 Nov;54:732-741). This amino acid position is well conserved in available vertebrate species. In addition, this alteration is predicted to be tolerated by in silico analysis. Since supporting evidence is limited at this time, the clinical significance of this alteration remains unclear.

Genetics and Molecular Pathology, SA Pathology
Classification: Uncertain significance for Familial cancer of breast. Last evaluated: 2020-04-01. Review status: criteria provided, single submitter. Criteria: ACMG Guidelines, 2015. Collection method: clinical testing. Allele origin: germline. Inheritance: Autosomal dominant inheritance. Affected: yes.
Comment: Insufficient evidence - rare variant found in one other reported case of familial breast cancer

Literature cited by the submitters: PubMed 30638972 (cited by Labcorp Genetics (formerly Invitae), Labcorp); PubMed 33471991 (cited by Department of Pathology and Laboratory Medicine, Sinai Health System and Color Diagnostics, LLC DBA Color Health); PubMed 28779002 (cited by 3 submitters).

NM_024675.4(PALB2):c.2724A>T (p.Lys908Asn)

Gene: PALB2 (partner and localizer of BRCA2; minus strand). Cytogenetic location: 16p12.2.
Variant type: single nucleotide variant.
Coding change: c.2724A>T on transcript NM_024675.4 (MANE Select); coding-DNA position 2724, A replaced by T.
Protein change: p.Lys908Asn; replaces lysine 908 with asparagine.
Molecular consequence: missense variant.
Genome position (GRCh38, 1-based): chr16:23,626,260, T>A on the plus strand (A>T on the coding strand, the complement: PALB2 is on the minus strand). VCF-style: chr16-23626260-T-A. GRCh37 (hg19) VCF-style: chr16-23637581-T-A.
Other names: short protein forms K908N.
Identifiers: ClinVar variation 530036 (VCV000530036.16), dbSNP rs1555459932, ClinGen allele CA395121865.